The following is an entry in ClinVar:

NM_016239.4(MYO15A):c.10263C>A (p.Ile3421=)

Gene: MYO15A (myosin XVA; plus strand). Cytogenetic location: 17p11.2.
Variant type: single nucleotide variant.
Coding change: c.10263C>A on transcript NM_016239.4 (MANE Select); coding-DNA position 10263, C replaced by A.
Protein change: p.Ile3421=; no amino-acid change (isoleucine 3421 retained).
Molecular consequence: synonymous variant.
Genome position (GRCh38, 1-based): chr17:18,172,203, C>A. VCF-style: chr17-18172203-C-A. GRCh37 (hg19) VCF-style: chr17-18075517-C-A.
Identifiers: ClinVar variation 2983965 (VCV002983965.3), dbSNP rs748246442, ClinGen allele CA398644808.

ClinVar aggregate classification (germline): Uncertain significance (1 of 4 stars; one submission).

gnomAD v4.1: 4 of 1,614,238 alleles (0.00025%); highest among the groups gnomAD compares: Non-Finnish European, 0.00025%; no homozygotes.

Submission:

Labcorp Genetics (formerly Invitae), Labcorp
Classification: Uncertain significance. Last evaluated: 2023-12-30. Review status: criteria provided, single submitter. Criteria: Invitae Variant Classification Sherloc (09022015). Collection method: clinical testing. Allele origin: germline.
Comment: This sequence change affects codon 3421 of the MYO15A mRNA. It is a 'silent' change, meaning that it does not change the encoded amino acid sequence of the MYO15A protein. This variant is not present in population databases (gnomAD no frequency). This variant has not been reported in the literature in individuals affected with MYO15A-related conditions. Algorithms developed to predict the effect of sequence changes on RNA splicing suggest that this variant may disrupt the consensus splice site. In summary, the available evidence is currently insufficient to determine the role of this variant in disease. Therefore, it has been classified as a Variant of Uncertain Significance.